The following is an entry in ClinVar:

ClinVar aggregate classification (germline): Uncertain significance (1 of 4 stars; one submission).

Allele frequency attached by ClinVar (database versions not stated): gnomAD exomes below 0.00001; gnomAD 0.00001.
gnomAD v4.1: 4 of 1,614,156 alleles (0.00025%); highest among the groups gnomAD compares: Non-Finnish European, 0.00025%; no homozygotes.

Submission:

Labcorp Genetics (formerly Invitae), Labcorp
Classification: Uncertain significance. Last evaluated: 2024-02-15. Review status: criteria provided, single submitter. Criteria: Invitae Variant Classification Sherloc (09022015). Collection method: clinical testing. Allele origin: germline.
Comment: This sequence change replaces glutamine, which is neutral and polar, with arginine, which is basic and polar, at codon 227 of the BACH2 protein (p.Gln227Arg). This variant is present in population databases (no rsID available, gnomAD 0.0009%). This variant has not been reported in the literature in individuals affected with BACH2-related conditions. ClinVar contains an entry for this variant (Variation ID: 1486340). Advanced modeling of protein sequence and biophysical properties (such as structural, functional, and spatial information, amino acid conservation, physicochemical variation, residue mobility, and thermodynamic stability) performed at Invitae indicates that this missense variant is not expected to disrupt BACH2 protein function with a negative predictive value of 80%. In summary, the available evidence is currently insufficient to determine the role of this variant in disease. Therefore, it has been classified as a Variant of Uncertain Significance.

NM_021813.4(BACH2):c.680A>G (p.Gln227Arg)

Gene: BACH2 (BACH transcriptional regulator 2; minus strand). Cytogenetic location: 6q15.
Variant type: single nucleotide variant.
Coding change: c.680A>G on transcript NM_021813.4 (MANE Select); coding-DNA position 680, A replaced by G.
Protein change: p.Gln227Arg; replaces glutamine 227 with arginine.
Molecular consequence: missense variant.
Genome position (GRCh38, 1-based): chr6:89,951,426, T>C on the plus strand (A>G on the coding strand, the complement: BACH2 is on the minus strand). VCF-style: chr6-89951426-T-C. GRCh37 (hg19) VCF-style: chr6-90661145-T-C.
Other names: c.680A>G, p.Gln227Arg (NM_001170794.2); short protein forms Q227R.
Identifiers: ClinVar variation 1486340 (VCV001486340.8), dbSNP rs1343031822, ClinGen allele CA365072473.